The following is an entry in ClinVar:

NM_174936.4(PCSK9):c.883C>T (p.Arg295Cys)

Gene: PCSK9 (proprotein convertase subtilisin/kexin type 9; plus strand). Cytogenetic location: 1p32.3.
Variant type: single nucleotide variant.
Coding change: c.883C>T on transcript NM_174936.4 (MANE Select); coding-DNA position 883, C replaced by T.
Protein change: p.Arg295Cys; replaces arginine 295 with cysteine.
Molecular consequence: missense variant.
Genome position (GRCh38, 1-based): chr1:55,056,076, C>T. VCF-style: chr1-55056076-C-T. GRCh37 (hg19) VCF-style: chr1-55521749-C-T.
Other names: c.1006C>T, p.Arg336Cys (NM_001407240.1); c.883C>T, p.Arg295Cys (NM_001407241.1, NM_001407244.1, NM_001407247.1); c.886C>T, p.Arg296Cys (NM_001407242.1); c.826C>T, p.Arg276Cys (NM_001407243.1); c.691C>T, p.Arg231Cys (NM_001407245.1); c.508C>T, p.Arg170Cys (NM_001407246.1); short protein forms R295C, R336C, R231C, R276C, R170C, R296C.
Identifiers: ClinVar variation 1764840 (VCV001764840.6), dbSNP rs770256556, ClinGen allele CA340474633.

ClinVar aggregate classification (germline): Uncertain significance. Review status: criteria provided, multiple submitters, no conflicts (2 of 4 stars). 4 submissions from 4 submitters: Uncertain significance (4). Last evaluated 2025-09-22.

Conditions:
Familial hypercholesterolemia. Also called: Familial hypercholesterolaemia. Identifiers: MedGen C0020445, MONDO:0005439.
Cardiovascular phenotype. Identifiers: MedGen CN230736.

Allele frequency attached by ClinVar (database versions not stated): gnomAD 0.00001; gnomAD exomes 0.00002.

Submissions (4):

Cambridge Genomics Laboratory, East Genomic Laboratory Hub, NHS Genomic Medicine Service
Classification: Uncertain significance for Familial hypercholesterolaemia. Last evaluated: 2025-09-22. Review status: criteria provided, single submitter. Criteria: ACGS Best Practice Guidelines for Variant Classification in Rare Disease 2020. Collection method: clinical testing. Allele origin: germline. Affected: yes.

Color Diagnostics, LLC DBA Color Health
Classification: Uncertain significance for Familial hypercholesterolemia. Last evaluated: 2025-06-03. Review status: criteria provided, single submitter. Criteria: ACMG Guidelines, 2015. Collection method: clinical testing. Allele origin: germline.
Comment: This missense variant replaces arginine with cysteine at codon 295 of the PCSK9 protein. Computational prediction is inconclusive regarding the impact of this variant on protein structure and function. To our knowledge, functional studies have not been reported for this variant. This variant has not been reported in individuals affected with PCSK9-related disorders in the literature. This variant has been identified in 1/234064 chromosomes in the general population by the Genome Aggregation Database (gnomAD). The available evidence is insufficient to determine the role of this variant in disease conclusively. Therefore, this variant is classified as a Variant of Uncertain Significance.

Ambry Genetics
Classification: Uncertain significance for Cardiovascular phenotype. Last evaluated: 2025-03-23. Review status: criteria provided, single submitter. Criteria: Ambry Variant Classification Scheme 2023. Collection method: clinical testing. Allele origin: germline.
Comment: The p.R295C variant (also known as c.883C>T), located in coding exon 6 of the PCSK9 gene, results from a C to T substitution at nucleotide position 883. The arginine at codon 295 is replaced by cysteine, an amino acid with highly dissimilar properties. This amino acid position is conserved. In addition, the in silico prediction for this alteration is inconclusive. Since supporting evidence is limited at this time, the clinical significance of this alteration remains unclear.

GeneDx
Classification: Uncertain significance. Last evaluated: 2025-01-07. Review status: criteria provided, single submitter. Criteria: GeneDx Variant Classification Process June 2021. Collection method: clinical testing. Allele origin: germline. Affected: yes.
Comment: Not observed at significant frequency in large population cohorts (gnomAD); In silico analysis supports that this missense variant has a deleterious effect on protein structure/function; Has not been previously published as pathogenic or benign to our knowledge